The following is an entry in ClinVar:

ClinVar aggregate classification (germline): Benign/Likely benign. Review status: criteria provided, multiple submitters, no conflicts (2 of 4 stars). 7 submissions from 7 submitters: Benign (2); Likely benign (5). Last evaluated 2026-01-18.

Conditions:
Tuberous sclerosis 2 (TSC2). Identifiers: Orphanet 805, MedGen C1860707, MONDO:0013199, OMIM 613254.
Isolated focal cortical dysplasia type II (FCORD2). Also called: CORTICAL DYSPLASIA OF TAYLOR; Focal cortical dysplasia type II. Identifiers: Orphanet 268994, MedGen C1846385, MONDO:0011818, OMIM 607341, HP:0032051.
Lymphangiomyomatosis (LAM). Also called: Lymphangioleiomyomatosis; Lymphangioleiomyomatosis, somatic. Identifiers: Orphanet 538, MedGen C0751674, MONDO:0011705, OMIM 606690.
Tuberous sclerosis syndrome (TSC). Also called: Tuberous Sclerosis Complex; Tuberous sclerosis. Identifiers: Orphanet 805, MedGen C0041341, MONDO:0001734.

Allele frequency attached by ClinVar (database versions not stated): gnomAD exomes 0.00003; ExAC 0.00007; TOPMed 0.00007; ESP Exome Variant Server 0.00023.
gnomAD v4.1: 126 of 1,563,506 alleles (0.0081%); highest among the groups gnomAD compares: Non-Finnish European, 0.0098%; no homozygotes.

Submissions (7):

Labcorp Genetics (formerly Invitae), Labcorp
Classification: Likely benign for Tuberous sclerosis 2. Last evaluated: 2026-01-18. Review status: criteria provided, single submitter. Criteria: Invitae Variant Classification Sherloc (09022015). Collection method: clinical testing. Allele origin: germline.

Women's Health and Genetics/Laboratory Corporation of America, LabCorp
Classification: Likely benign. Last evaluated: 2024-03-18. Review status: criteria provided, single submitter. Criteria: LabCorp Variant Classification Summary - May 2015. Collection method: clinical testing. Allele origin: germline.

Blueprint Genetics
Classification: Likely benign. Last evaluated: 2023-08-17. Review status: criteria provided, single submitter. Criteria: ACMG Guidelines, 2015. Collection method: clinical testing. Allele origin: germline.

Genome-Nilou Lab
Classification: Benign for Tuberous sclerosis 2. Last evaluated: 2021-11-07. Review status: criteria provided, single submitter. Criteria: ACMG Guidelines, 2015. Collection method: clinical testing. Allele origin: germline. Affected: no.

Fulgent Genetics
Classification: Likely benign for Lymphangiomyomatosis; Isolated focal cortical dysplasia type II; Tuberous sclerosis 2. Last evaluated: 2021-09-20. Review status: criteria provided, single submitter. Criteria: ACMG Guidelines, 2015. Collection method: clinical testing. Allele origin: unknown.

Illumina Laboratory Services, Illumina
Classification: Likely benign for Tuberous sclerosis syndrome. Last evaluated: 2018-01-13. Review status: criteria provided, single submitter. Criteria: ICSL Variant Classification Criteria 13 December 2019. Collection method: clinical testing. Allele origin: germline.
Comment: This variant was observed in the ICSL laboratory as part of a predisposition screen in an ostensibly healthy population. It had not been previously curated by ICSL or reported in the Human Gene Mutation Database (HGMD: prior to June 1st, 2018), and was therefore a candidate for classification through an automated scoring system. Utilizing variant allele frequency, disease prevalence and penetrance estimates, and inheritance mode, an automated score was calculated to assess if this variant is too frequent to cause the disease. Based on the score and internal cut-off values, a variant classified as likely benign is not then subjected to further curation. The score for this variant resulted in a classification of likely benign for this disease.

GeneDx
Classification: Benign. Last evaluated: 2014-12-15. Review status: criteria provided, single submitter. Criteria: GeneDx Variant Classification (06012015). Collection method: clinical testing. Allele origin: germline. Affected: yes.
Comment: This variant is considered likely benign or benign based on one or more of the following criteria: it is a conservative change, it occurs at a poorly conserved position in the protein, it is predicted to be benign by multiple in silico algorithms, and/or has population frequency not consistent with disease.

NM_000548.5(TSC2):c.2097+13G>A

Gene: TSC2 (TSC complex subunit 2; plus strand). Cytogenetic location: 16p13.3.
Variant type: single nucleotide variant.
Coding change: c.2097+13G>A on transcript NM_000548.5 (MANE Select); 13 bases into the intron after coding-DNA position 2097, G replaced by A.
Molecular consequence: intron variant.
Genome position (GRCh38, 1-based): chr16:2,071,947, G>A. VCF-style: chr16-2071947-G-A. GRCh37 (hg19) VCF-style: chr16-2121948-G-A.
Other names: c.2097+13G>A (NM_001114382.3, NM_021055.3, NM_001370405.1 and 3 more transcripts); c.1986+13G>A (NM_001318827.2); c.1497+13G>A (NM_001318831.2); c.1950+13G>A (NM_001318829.2); c.2130+13G>A (NM_001318832.2).
Identifiers: ClinVar variation 207667 (VCV000207667.18), dbSNP rs367915255, ClinGen allele CA036329.